The following is an entry in ClinVar:

ClinVar aggregate classification (germline): Uncertain significance (1 of 4 stars; one submission).

Allele frequency attached by ClinVar (database versions not stated): gnomAD exomes 0.00001; TOPMed 0.00001; gnomAD 0.00002; 1000 Genomes Project 30x 0.00016; 1000 Genomes Project 0.00020.
gnomAD v4.1: 13 of 1,609,698 alleles (0.00081%); highest among the groups gnomAD compares: African/African-American, 0.0013%; no homozygotes.

Submission:

Labcorp Genetics (formerly Invitae), Labcorp
Classification: Uncertain significance. Last evaluated: 2022-09-01. Review status: criteria provided, single submitter. Criteria: Invitae Variant Classification Sherloc (09022015). Collection method: clinical testing. Allele origin: germline.
Comment: In summary, the available evidence is currently insufficient to determine the role of this variant in disease. Therefore, it has been classified as a Variant of Uncertain Significance. Algorithms developed to predict the effect of missense changes on protein structure and function are either unavailable or do not agree on the potential impact of this missense change (SIFT: "Deleterious"; PolyPhen-2: "Probably Damaging"; Align-GVGD: "Class C0"). This variant has not been reported in the literature in individuals affected with IHH-related conditions. This variant is present in population databases (rs200082799, gnomAD 0.004%). This sequence change replaces threonine, which is neutral and polar, with methionine, which is neutral and non-polar, at codon 200 of the IHH protein (p.Thr200Met).

NM_002181.4(IHH):c.599C>T (p.Thr200Met)

Gene: IHH (Indian hedgehog signaling molecule; minus strand). Cytogenetic location: 2q35.
Variant type: single nucleotide variant.
Coding change: c.599C>T on transcript NM_002181.4 (MANE Select); coding-DNA position 599, C replaced by T.
Protein change: p.Thr200Met; replaces threonine 200 with methionine.
Molecular consequence: missense variant.
Genome position (GRCh38, 1-based): chr2:219,055,844, G>A on the plus strand (C>T on the coding strand, the complement: IHH is on the minus strand). VCF-style: chr2-219055844-G-A. GRCh37 (hg19) VCF-style: chr2-219920566-G-A.
Other names: short protein forms T200M.
Identifiers: ClinVar variation 1926209 (VCV001926209.5), dbSNP rs200082799, ClinGen allele CA65948290.